The following is an entry in ClinVar:

NM_000465.4(BARD1):c.1329T>A (p.Ser443=)

Gene: BARD1 (BRCA1 associated RING domain 1; minus strand). Cytogenetic location: 2q35.
Variant type: single nucleotide variant.
Coding change: c.1329T>A on transcript NM_000465.4 (MANE Select); coding-DNA position 1329, T replaced by A.
Protein change: p.Ser443=; no amino-acid change (serine 443 retained).
Molecular consequence: synonymous variant. On other transcripts: non-coding transcript variant (3), intron variant (3).
Genome position (GRCh38, 1-based): chr2:214,769,298, A>T on the plus strand (T>A on the coding strand, the complement: BARD1 is on the minus strand). VCF-style: chr2-214769298-A-T. GRCh37 (hg19) VCF-style: chr2-215634022-A-T.
Other names: c.1272T>A, p.Ser424= (NM_001282543.2); c.159-16743T>A (NM_001282548.2); c.216-16743T>A (NM_001282545.2); c.364+22999T>A (NM_001282549.2).
Identifiers: ClinVar variation 481418 (VCV000481418.16), dbSNP rs767154578, ClinGen allele CA350450503.

ClinVar aggregate classification (germline): Benign/Likely benign. Review status: criteria provided, multiple submitters, no conflicts (2 of 4 stars). 3 submissions from 3 submitters: Benign (1); Likely benign (2). Last evaluated 2025-06-22.

Conditions:
Familial cancer of breast. Also called: BREAST CANCER, FAMILIAL; Hereditary breast cancer; hereditary breast carcinoma. Identifiers: Orphanet 227535, MedGen C0346153, MONDO:0016419, OMIM 114480. Disease mechanism: loss of function.
Hereditary cancer-predisposing syndrome. Also called: Hereditary Cancer Syndrome; Neoplastic Syndromes, Hereditary; Tumor predisposition; Hereditary neoplastic syndrome. Identifiers: Orphanet 140162, MedGen C0027672, MeSH D009386, MONDO:0015356.

Allele frequency attached by ClinVar (database versions not stated): gnomAD exomes below 0.00001; TOPMed 0.00001.
gnomAD v4.1: 1 of 1,613,316 alleles (0.000062%); highest among the groups gnomAD compares: East Asian, 0.0022%; no homozygotes.

Submissions (3):

Labcorp Genetics (formerly Invitae), Labcorp
Classification: Likely benign for Familial cancer of breast. Last evaluated: 2025-06-22. Review status: criteria provided, single submitter. Criteria: Invitae Variant Classification Sherloc (09022015). Collection method: clinical testing. Allele origin: germline.

Myriad Genetics, Inc.
Classification: Benign for Familial cancer of breast. Last evaluated: 2024-07-24. Review status: criteria provided, single submitter. Criteria: Myriad Autosomal Dominant, Autosomal Recessive and X-Linked Classification Criteria (2023). Collection method: clinical testing. Allele origin: unknown.
Comment: This variant is considered benign. This variant is a silent/synonymous amino acid change and it is not expected to impact splicing.

Ambry Genetics
Classification: Likely benign for Hereditary cancer-predisposing syndrome. Last evaluated: 2017-07-20. Review status: criteria provided, single submitter. Criteria: Ambry Variant Classification Scheme 2023. Collection method: clinical testing. Allele origin: germline.